The following is an entry in ClinVar:

ClinVar aggregate classification (germline): Uncertain significance (1 of 4 stars; one submission).

Conditions:
Renal cell carcinoma. Identifiers: Orphanet 217071, MedGen C0007134, MeSH D002292, MONDO:0005086, HP:0005584.

Submission:

Labcorp Genetics (formerly Invitae), Labcorp
Classification: Uncertain significance for Renal cell carcinoma. Last evaluated: 2025-10-27. Review status: criteria provided, single submitter. Criteria: Invitae Variant Classification Sherloc (09022015). Collection method: clinical testing. Allele origin: germline.
Comment: This sequence change replaces arginine, which is basic and polar, with glycine, which is neutral and non-polar, at codon 400 of the MET protein (p.Arg400Gly). This variant is not present in population databases (gnomAD no frequency). This variant has not been reported in the literature in individuals affected with MET-related conditions. An algorithm developed to predict the effect of missense changes on protein structure and function (PolyPhen-2) suggests that this variant is likely to be disruptive. In summary, the available evidence is currently insufficient to determine the role of this variant in disease. Therefore, it has been classified as a Variant of Uncertain Significance.

NM_000245.4(MET):c.1198A>G (p.Arg400Gly)

Gene: MET (MET proto-oncogene, receptor tyrosine kinase; plus strand). Cytogenetic location: 7q31.2.
Variant type: single nucleotide variant.
Coding change: c.1198A>G on transcript NM_000245.4 (MANE Select); coding-DNA position 1198, A replaced by G.
Protein change: p.Arg400Gly; replaces arginine 400 with glycine.
Molecular consequence: missense variant. On other transcripts: intron variant (1).
Genome position (GRCh38, 1-based): chr7:116,700,282, A>G. VCF-style: chr7-116700282-A-G. GRCh37 (hg19) VCF-style: chr7-116340336-A-G.
Other names: c.1198A>G, p.Arg400Gly (NM_001127500.3, NM_001324401.3); c.-91+27705A>G (NM_001324402.2); short protein forms R400G.
Identifiers: ClinVar variation 4715057 (VCV004715057.1).
Genomic context (GRCh38, chr7:116,700,282, plus strand): 5'-AAAAACAATGTGAGATGTCTCCAGCATTTTTACGGACCCAATCATGAGCACTGCTTTAAT[A>G]GGGTAAGTCACATCAGTTCCCCACTTATAAACTGTGAGGTATAAATTAGAAATAAGTATC-3'
Protein context (NP_000236.2, residues 390-410): YGPNHEHCFN[Arg400Gly]TLLRNSSGCE